The following is an entry in ClinVar:

NM_000138.5(FBN1):c.2855-1G>A

Gene: FBN1 (fibrillin 1; minus strand). Cytogenetic location: 15q21.1.
Variant type: single nucleotide variant.
Coding change: c.2855-1G>A on transcript NM_000138.5 (MANE Select); the canonical splice acceptor site of the intron before coding-DNA position 2855, G replaced by A.
Molecular consequence: splice acceptor variant.
Genome position (GRCh38, 1-based): chr15:48,490,079, C>T on the plus strand (G>A on the coding strand, the complement: FBN1 is on the minus strand). VCF-style: chr15-48490079-C-T. GRCh37 (hg19) VCF-style: chr15-48782276-C-T.
Other names: c.2855-1G>A (NM_001406716.1).
Identifiers: ClinVar variation 42318 (VCV000042318.4), dbSNP rs112202622, ClinGen allele CA013445.

ClinVar aggregate classification (germline): Pathogenic (1 of 4 stars; one submission).

Conditions:
Marfan syndrome (MFS). Also called: FBN1-Related Marfan Syndrome; Marfan syndrome, classic; MARFAN SYNDROME, TYPE I; Marfan syndrome type 1; Marfan's syndrome. Identifiers: Orphanet 284963, Orphanet 558, MedGen C0024796, MONDO:0007947, OMIM 154700.

Submission:

Laboratory for Molecular Medicine, Mass General Brigham Personalized Medicine
Classification: Pathogenic for Marfan syndrome. Last evaluated: 2012-05-02. Review status: criteria provided, single submitter. Criteria: LMM Criteria. Collection method: clinical testing. Allele origin: germline. Observed: 1 variant allele.
Comment: The 2855-1G>A variant (FBN1) has not been reported in the literature nor previou sly identified by our laboratory. This variant occurs in the invariant region ( +/- 1,2) of the splice consensus sequence and is predicted to cause altered spli cing leading to an abnormal or absent protein. Heterozygous loss of function of the FBN1 gene is an established disease mechanism in Marfan syndrome. In summar y, this variant meets our criteria to be classified as pathogenic (.).